The following is an entry in ClinVar:

ClinVar aggregate classification (germline): Uncertain significance (1 of 4 stars; one submission).

gnomAD v4.1: 1 of 1,613,042 alleles (0.000062%); highest among the groups gnomAD compares: Non-Finnish European, 0.000085%; no homozygotes.

Submission:

GeneDx
Classification: Uncertain significance. Last evaluated: 2026-03-03. Review status: criteria provided, single submitter. Criteria: GeneDx Variant Classification Process June 2021. Collection method: clinical testing. Allele origin: germline.
Comment: Not observed at significant frequency in large population cohorts (gnomAD); Missense variant in a gene in which most reported pathogenic variants are truncating/loss of function; Has not been previously published as pathogenic or benign to our knowledge

NM_001267550.2(TTN):c.76198T>C (p.Cys25400Arg)

Genes: TTN (titin; minus strand), TTN-AS1 (TTN antisense RNA 1; plus strand). Cytogenetic location: 2q31.2.
Variant type: single nucleotide variant.
Coding change: c.76198T>C on transcript NM_001267550.2 (MANE Select); coding-DNA position 76198, T replaced by C.
Protein change: p.Cys25400Arg; replaces cysteine 25400 with arginine.
Molecular consequence: missense variant.
Genome position (GRCh38, 1-based): chr2:178,569,934, A>G on the plus strand (T>C on the coding strand, the complement: TTN is on the minus strand). VCF-style: chr2-178569934-A-G. GRCh37 (hg19) VCF-style: chr2-179434661-A-G.
Other names: c.71275T>C, p.Cys23759Arg (NM_001256850.1); c.49003T>C, p.Cys16335Arg (NM_003319.4); c.68494T>C, p.Cys22832Arg (NM_133378.4); c.49378T>C, p.Cys16460Arg (NM_133432.3); c.49579T>C, p.Cys16527Arg (NM_133437.4); short protein forms C23759R, C16527R, C22832R, C16335R, C25400R, C16460R.
Identifiers: ClinVar variation 5008282 (VCV005008282.1).